The following is an entry in ClinVar:

NM_001696.4(ATP6V1E1):c.209+3A>G

Gene: ATP6V1E1 (ATPase H+ transporting V1 subunit E1; minus strand). Cytogenetic location: 22q11.21.
Variant type: single nucleotide variant.
Coding change: c.209+3A>G on transcript NM_001696.4 (MANE Select); 3 bases into the intron after coding-DNA position 209, A replaced by G.
Molecular consequence: intron variant.
Genome position (GRCh38, 1-based): chr22:17,613,208, T>C on the plus strand (A>G on the coding strand, the complement: ATP6V1E1 is on the minus strand). VCF-style: chr22-17613208-T-C. GRCh37 (hg19) VCF-style: chr22-18095974-T-C.
Other names: c.143+3A>G (NM_001039366.1); c.209+3A>G (NM_001039367.1).
Identifiers: ClinVar variation 1403136 (VCV001403136.6), dbSNP rs2146308749, ClinGen allele CA2573157696.

ClinVar aggregate classification (germline): Uncertain significance (1 of 4 stars; one submission).

Allele frequency attached by ClinVar (database versions not stated): gnomAD exomes below 0.00001.
gnomAD v4.1: 1 of 1,609,156 alleles (0.000062%); highest among the groups gnomAD compares: Non-Finnish European, 0.000085%; no homozygotes.

Submission:

Labcorp Genetics (formerly Invitae), Labcorp
Classification: Uncertain significance. Last evaluated: 2021-06-28. Review status: criteria provided, single submitter. Criteria: Invitae Variant Classification Sherloc (09022015). Collection method: clinical testing. Allele origin: germline.
Comment: This sequence change falls in intron 3 of the ATP6V1E1 gene. It does not directly change the encoded amino acid sequence of the ATP6V1E1 protein. It affects a nucleotide within the consensus splice site of the intron. In summary, the available evidence is currently insufficient to determine the role of this variant in disease. Therefore, it has been classified as a Variant of Uncertain Significance. Nucleotide substitutions within the consensus splice site are a relatively common cause of aberrant splicing (PMID: 17576681, 9536098). Algorithms developed to predict the effect of sequence changes on RNA splicing suggest that this variant is not likely to affect RNA splicing, but this prediction has not been confirmed by published transcriptional studies. This variant has not been reported in the literature in individuals with ATP6V1E1-related conditions. This variant is not present in population databases (ExAC no frequency).

Literature cited by the submitters: PubMed 17576681; PubMed 9536098.